The following is an entry in ClinVar:

NM_024741.3(ZNF408):c.1298G>A (p.Gly433Asp)

Gene: ZNF408 (zinc finger protein 408; plus strand). Cytogenetic location: 11p11.2.
Variant type: single nucleotide variant.
Coding change: c.1298G>A on transcript NM_024741.3 (MANE Select); coding-DNA position 1298, G replaced by A.
Protein change: p.Gly433Asp; replaces glycine 433 with aspartic acid.
Molecular consequence: missense variant.
Genome position (GRCh38, 1-based): chr11:46,704,998, G>A. VCF-style: chr11-46704998-G-A. GRCh37 (hg19) VCF-style: chr11-46726548-G-A.
Other names: c.1274G>A, p.Gly425Asp (NM_001184751.2); c.1298G>A (NM_024741.2); short protein forms G425D, G433D.
Identifiers: ClinVar variation 1518924 (VCV001518924.8), dbSNP rs780850451, ClinGen allele CA5966533.

ClinVar aggregate classification (germline): Uncertain significance. Review status: criteria provided, multiple submitters, no conflicts (2 of 4 stars). 3 submissions from 3 submitters: Uncertain significance (3). Last evaluated 2024-10-11.

Conditions:
Inborn genetic diseases. Identifiers: MedGen C0950123, MeSH D030342.

Allele frequency attached by ClinVar (database versions not stated): ExAC 0.00003; gnomAD 0.00003; gnomAD exomes 0.00004 and 0.00005; TOPMed 0.00006.
gnomAD v4.1: 71 of 1,613,172 alleles (0.0044%); highest among the groups gnomAD compares: Admixed American, 0.0067%; no homozygotes.

Submissions (3):

Ambry Genetics
Classification: Uncertain significance for Inborn genetic diseases. Last evaluated: 2024-10-11. Review status: criteria provided, single submitter. Criteria: Ambry Variant Classification Scheme 2023. Collection method: clinical testing. Allele origin: germline.

Labcorp Genetics (formerly Invitae), Labcorp
Classification: Uncertain significance. Last evaluated: 2024-06-04. Review status: criteria provided, single submitter. Criteria: Invitae Variant Classification Sherloc (09022015). Collection method: clinical testing. Allele origin: germline.
Comment: This sequence change replaces glycine, which is neutral and non-polar, with aspartic acid, which is acidic and polar, at codon 433 of the ZNF408 protein (p.Gly433Asp). This variant is present in population databases (rs780850451, gnomAD 0.009%). This variant has not been reported in the literature in individuals affected with ZNF408-related conditions. ClinVar contains an entry for this variant (Variation ID: 1518924). An algorithm developed to predict the effect of missense changes on protein structure and function (PolyPhen-2) suggests that this variant is likely to be disruptive. In summary, the available evidence is currently insufficient to determine the role of this variant in disease. Therefore, it has been classified as a Variant of Uncertain Significance.

Blueprint Genetics
Classification: Uncertain significance. Last evaluated: 2023-08-31. Review status: criteria provided, single submitter. Criteria: ACMG Guidelines, 2015. Collection method: clinical testing. Allele origin: germline.